The following is an entry in ClinVar:

NM_012479.4(YWHAG):c.125G>A (p.Arg42Gln)

Gene: YWHAG (tyrosine 3-monooxygenase/tryptophan 5-monooxygenase activation protein gamma; minus strand). Cytogenetic location: 7q11.23.
Variant type: single nucleotide variant.
Coding change: c.125G>A on transcript NM_012479.4 (MANE Select); coding-DNA position 125, G replaced by A.
Protein change: p.Arg42Gln; replaces arginine 42 with glutamine.
Molecular consequence: missense variant.
Genome position (GRCh38, 1-based): chr7:76,330,196, C>T on the plus strand (G>A on the coding strand, the complement: YWHAG is on the minus strand). VCF-style: chr7-76330196-C-T. GRCh37 (hg19) VCF-style: chr7-75959513-C-T.
Other names: short protein forms R42Q.
Identifiers: ClinVar variation 3657604 (VCV003657604.2).

ClinVar aggregate classification (germline): Pathogenic (1 of 4 stars; one submission).

gnomAD v4.1: 1 of 1,612,218 alleles (0.000062%); highest among the groups gnomAD compares: Non-Finnish European, 0.000085%; no homozygotes.

Submission:

Labcorp Genetics (formerly Invitae), Labcorp
Classification: Pathogenic. Last evaluated: 2024-12-18. Review status: criteria provided, single submitter. Criteria: Invitae Variant Classification Sherloc (09022015). Collection method: clinical testing. Allele origin: germline.
Comment: This sequence change replaces arginine, which is basic and polar, with glutamine, which is neutral and polar, at codon 42 of the YWHAG protein (p.Arg42Gln). This variant is not present in population databases (gnomAD no frequency). This missense change has been observed in individual(s) with YWHAG-related conditions (internal data). In at least one individual the variant was observed to be de novo. Invitae Evidence Modeling of protein sequence and biophysical properties (such as structural, functional, and spatial information, amino acid conservation, physicochemical variation, residue mobility, and thermodynamic stability) indicates that this missense variant is expected to disrupt YWHAG protein function with a positive predictive value of 80%. For these reasons, this variant has been classified as Pathogenic.